The following is an entry in ClinVar:

ClinVar aggregate classification (germline): Uncertain significance (3 of 4 stars; one submission).

Conditions:
DICER1-related tumor predisposition. Also called: DICER1-related pleuropulmonary blastoma cancer predisposition syndrome; DICER1 syndrome. Identifiers: Orphanet 284343, MedGen C3839822, MONDO:0100216.

Submission:

ClinGen DICER1 and miRNA-Processing Gene Variant Curation Expert Panel, ClinGen
Classification: Uncertain significance for DICER1-related tumor predisposition. Last evaluated: 2025-02-25. Review status: reviewed by expert panel. Criteria: ClinGen DICER1 ACMG Specifications DICER1 V1.3.0. Collection method: curation. Allele origin: germline. Inheritance: Autosomal dominant inheritance.
Comment: The NM_177438.3:c.2650+5_2650+7del variant in DICER1 is an intronic variant in intron 16. This variant received a total of 1 phenotype point across 1 unrelated proband/family, meeting DICER1 VCEP phenotype specificity scoring criteria of 1-1.5 points (PS4_Supporting; Internal lab contributors). This variant is absent from gnomAD v4.1.0 (PM2_Supporting). The splice site predictors MaxEntScan and SpliceAI indicate that the variant impacts splicing, evidence that correlates with impact to DICER1 function (PP3). In summary, this variant meets the criteria to be classified as Uncertain Significance for DICER1-related tumor predisposition based on the ACMG/AMP criteria applied, as specified by the ClinGen DICER1 VCEP: PS4_Supporting, PM2_Supporting, PP3. (Bayesian Points: 3; VCEP specifications version 1.3.0; 02/25/2025)

NM_177438.3(DICER1):c.2650+5_2650+7del

Gene: DICER1 (dicer 1, ribonuclease III; minus strand). Cytogenetic location: 14q32.13.
Variant type: Deletion.
Coding change: c.2650+5_2650+7del on transcript NM_177438.3 (MANE Select); bases 5 to 7 of the intron after coding-DNA position 2650, 3 bases deleted (GAA; older notation c.2650+5_2650+7delGAA).
Molecular consequence: intron variant.
Genome position (GRCh38, 1-based): chr14:95,107,873-95,107,875, TTC deleted on the plus strand (GAA on the coding strand, the reverse complement: DICER1 is on the minus strand); deleting any 3 consecutive bases within chr14:95,107,873-95,107,877 gives the same sequence; the c. name uses the placement nearest the transcript's 3' end. VCF-style (leftmost placement, unchanged base first): chr14-95107872-TTTC-T. GRCh37 (hg19) VCF-style: chr14-95574209-TTTC-T.
Other names: NR_172720.1:n.2995+5_2995+7del; c.2650+5_2650+7del (NM_001291628.2, NM_030621.4, NM_001395677.1 and 12 more transcripts); c.2245+5_2245+7del (NM_001395690.1, NM_001395687.1, NM_001395689.1 and 2 more transcripts); c.2368+5_2368+7del (NM_001395686.1); c.2083+5_2083+7del (NM_001395691.1); c.967+5_967+7del (NM_001395697.1).
Identifiers: ClinVar variation 2429790 (VCV002429790.2), dbSNP rs2542837276, ClinGen allele CA2573320295.
Genomic context (GRCh38, chr14:95,107,872, plus strand): 5'-GTTTCATACCAAAGCTGTATGTTTGTATATGTGTCTAGAGTTATCAAAGTAAGAGATTTT[TTTC>T]TTACCAACATTAAGAGGTAGAACACAGTATGCTGAATCAGCGTCTGTAGGTTTAAATTCT-3'